The following is an entry in ClinVar:

ClinVar aggregate classification (germline): Uncertain significance. Review status: criteria provided, multiple submitters, no conflicts (2 of 4 stars). 2 submissions from 2 submitters: Uncertain significance (2). Last evaluated 2025-07-20.

Conditions:
Inborn genetic diseases. Identifiers: MedGen C0950123, MeSH D030342.

Submissions (2):

Labcorp Genetics (formerly Invitae), Labcorp
Classification: Uncertain significance. Last evaluated: 2025-07-20. Review status: criteria provided, single submitter. Criteria: Invitae Variant Classification Sherloc (09022015). Collection method: clinical testing. Allele origin: germline.
Comment: This sequence change replaces phenylalanine, which is neutral and non-polar, with threonine, which is neutral and polar, at codon 207 of the MBD4 protein (p.Phe207Thr). This variant is present in population databases (no rsID available, gnomAD 0.0008%). This variant has not been reported in the literature in individuals affected with MBD4-related conditions. ClinVar contains an entry for this variant (Variation ID: 3625381). An algorithm developed to predict the effect of missense changes on protein structure and function (PolyPhen-2) suggests that this variant is likely to be tolerated. In summary, the available evidence is currently insufficient to determine the role of this variant in disease. Therefore, it has been classified as a Variant of Uncertain Significance.

Ambry Genetics
Classification: Uncertain significance for Inborn genetic diseases. Last evaluated: 2025-02-25. Review status: criteria provided, single submitter. Criteria: Ambry Variant Classification Scheme 2023. Collection method: clinical testing. Allele origin: germline.
Comment: The c.619_620delTTinsAC variant (also known as p.F207T), located in coding exon 3 of the MBD4 gene, results from an in-frame deletion of TT and insertion of AC at nucleotide positions 619 to 620. This results in the substitution of the phenylalanine residue for a threonine residue at codon 207, an amino acid with dissimilar properties. This amino acid position is not well conserved in available vertebrate species. Based on the available evidence, the clinical significance of this variant remains unclear.

NM_001276270.2(MBD4):c.619_620delinsAC (p.Phe207Thr)

Gene: MBD4 (methyl-CpG binding domain 4, DNA glycosylase; minus strand). Cytogenetic location: 3q21.3.
Variant type: Indel.
Coding change: c.619_620delinsAC on transcript NM_001276270.2 (MANE Select); coding-DNA positions 619 to 620, TT replaced by AC.
Protein change: p.Phe207Thr; replaces phenylalanine 207 with threonine.
Molecular consequence: missense variant. On other transcripts: intron variant (1).
Genome position (GRCh38, 1-based): chr3:129,437,024-129,437,025, AA replaced by GT on the plus strand (TT replaced by AC on the coding strand, the reverse complement: MBD4 is on the minus strand). VCF-style: chr3-129437024-AA-GT. GRCh37 (hg19) VCF-style: chr3-129155867-AA-GT.
Other names: c.619_620delTTinsAC (NM_001276270.2); c.619_620delinsAC, p.Phe207Thr (NM_001276271.2, NM_001276272.2, NM_003925.3); c.247+783_247+784delinsAC (NM_001276273.2); short protein forms F207T.
Identifiers: ClinVar variation 3625381 (VCV003625381.3).
Genomic context (GRCh38, chr3:129,437,024, plus strand): 5'-TTTCTGAAGTTAACATCATCAACACCCTCATCTTCTTTCAAAAGCAAATGAGTGGAAGTA[AA>GT]GTTAGAGAGTCCTCTGCTCTCCTGCAACTCTGAACTACTACTTGGCGGCATAAACACATC-3'
Protein context (NP_001263199.1, residues 197-217): ELQESRGLSN[Phe207Thr]TSTHLLLKED